The following is an entry in ClinVar:

NM_021814.5(ELOVL5):c.871G>A (p.Val291Met)

Gene: ELOVL5 (ELOVL fatty acid elongase 5; minus strand). Cytogenetic location: 6p12.1.
Variant type: single nucleotide variant.
Coding change: c.871G>A on transcript NM_021814.5 (MANE Select); coding-DNA position 871, G replaced by A.
Protein change: p.Val291Met; replaces valine 291 with methionine.
Molecular consequence: missense variant.
Genome position (GRCh38, 1-based): chr6:53,269,156, C>T on the plus strand (G>A on the coding strand, the complement: ELOVL5 is on the minus strand). VCF-style: chr6-53269156-C-T. GRCh37 (hg19) VCF-style: chr6-53133954-C-T.
Other names: c.952G>A, p.Val318Met (NM_001242828.2); c.746G>A, p.Cys249Tyr (NM_001242830.2); c.871G>A, p.Val291Met (NM_001301856.2); short protein forms V291M, V318M, C249Y.
Identifiers: ClinVar variation 2070080 (VCV002070080.28), dbSNP rs146646780, ClinGen allele CA3859599.

ClinVar aggregate classification (germline): Conflicting classifications of pathogenicity. Review status: criteria provided, conflicting classifications (1 of 4 stars). 2 submissions from 2 submitters: Uncertain significance (1); Benign (1). Last evaluated 2026-07-01.

Allele frequency attached by ClinVar (database versions not stated): ExAC 0.00023; ESP Exome Variant Server 0.00085.
gnomAD v4.1: 542 of 1,613,918 alleles (0.034%); highest among the groups gnomAD compares: Middle Eastern, 0.31%; 1 homozygote.

Submissions (2):

CeGaT Center for Human Genetics Tuebingen
Classification: Benign. Last evaluated: 2026-07-01. Review status: criteria provided, single submitter. Criteria: CeGaT Center For Human Genetics Tuebingen Variant Classification Criteria Version 2. Collection method: clinical testing. Allele origin: germline. Affected: yes. Observed: 2 variant alleles.
Comment: ELOVL5: BP4, BS1, BS2

Labcorp Genetics (formerly Invitae), Labcorp
Classification: Uncertain significance. Last evaluated: 2025-09-24. Review status: criteria provided, single submitter. Criteria: Invitae Variant Classification Sherloc (09022015). Collection method: clinical testing. Allele origin: germline.
Comment: This sequence change replaces valine, which is neutral and non-polar, with methionine, which is neutral and non-polar, at codon 291 of the ELOVL5 protein (p.Val291Met). This variant is present in population databases (rs146646780, gnomAD 0.05%), and has an allele count higher than expected for a pathogenic variant. This variant has not been reported in the literature in individuals affected with ELOVL5-related conditions. ClinVar contains an entry for this variant (Variation ID: 2070080). An algorithm developed to predict the effect of missense changes on protein structure and function outputs the following: PolyPhen-2: "Benign". The methionine amino acid residue is found in multiple mammalian species, which suggests that this missense change does not adversely affect protein function. In summary, the available evidence is currently insufficient to determine the role of this variant in disease. Therefore, it has been classified as a Variant of Uncertain Significance.